The following is an entry in ClinVar:

ClinVar aggregate classification (germline): Likely benign (1 of 4 stars; one submission).

Allele frequency attached by ClinVar (database versions not stated): gnomAD 0.00008.

Submission:

CeGaT Center for Human Genetics Tuebingen
Classification: Likely benign. Last evaluated: 2023-02-01. Review status: criteria provided, single submitter. Criteria: CeGaT Center For Human Genetics Tuebingen Variant Classification Criteria Version 2. Collection method: clinical testing. Allele origin: germline. Affected: yes. Observed: 1 variant allele.
Comment: TRAPPC2: BS2

NM_001011658.4(TRAPPC2):c.*402C>T

Gene: TRAPPC2 (trafficking protein particle complex subunit 2; minus strand). Cytogenetic location: Xp22.2.
Variant type: single nucleotide variant.
Coding change: c.*402C>T on transcript NM_001011658.4 (MANE Select); 402 bases downstream of the stop codon, C replaced by T.
Molecular consequence: 3 prime UTR variant.
Genome position (GRCh38, 1-based): chrX:13,714,005, G>A on the plus strand (C>T on the coding strand, the complement: TRAPPC2 is on the minus strand). VCF-style: chrX-13714005-G-A. GRCh37 (hg19) VCF-style: chrX-13732124-G-A.
Other names: c.*402C>T (NM_001128835.3, NM_014563.6).
Identifiers: ClinVar variation 2660028 (VCV002660028.24), dbSNP rs767105213, ClinGen allele CA326090822.